The following is an entry in ClinVar:

ClinVar aggregate classification (germline): Uncertain significance. Review status: criteria provided, single submitter (1 of 4 stars). 2 submissions from 2 submitters: Uncertain significance (1). 1 of the submissions does not count toward it. Last evaluated 2025-10-24.

Conditions:
DYRK1B-related disorder. Also called: DYRK1B-related condition.
Inborn genetic diseases. Identifiers: MedGen C0950123, MeSH D030342.

gnomAD v4.1: 1 of 1,610,268 alleles (0.000062%); highest among the groups gnomAD compares: Non-Finnish European, 0.000085%; no homozygotes.

Submissions (2):

Ambry Genetics
Classification: Uncertain significance for Inborn genetic diseases. Last evaluated: 2025-10-24. Review status: criteria provided, single submitter. Criteria: Ambry Variant Classification Scheme 2023. Collection method: clinical testing. Allele origin: germline.

PreventionGenetics, part of Exact Sciences
Classification: Uncertain significance for DYRK1B-related condition. Last evaluated: 2024-09-19. Review status: no assertion criteria provided. Collection method: clinical testing. Allele origin: germline. Not counted in ClinVar's aggregate classification.
Comment: The DYRK1B c.1769C>T variant is predicted to result in the amino acid substitution p.Ser590Leu. To our knowledge, this variant has not been reported in the literature or in a large population database, indicating this variant is rare. At this time, the clinical significance of this variant is uncertain due to the absence of conclusive functional and genetic evidence.

NM_004714.3(DYRK1B):c.1769C>T (p.Ser590Leu)

Gene: DYRK1B (dual specificity tyrosine phosphorylation regulated kinase 1B; minus strand). Cytogenetic location: 19q13.2.
Variant type: single nucleotide variant.
Coding change: c.1769C>T on transcript NM_004714.3 (MANE Select); coding-DNA position 1769, C replaced by T.
Protein change: p.Ser590Leu; replaces serine 590 with leucine.
Molecular consequence: missense variant.
Genome position (GRCh38, 1-based): chr19:39,825,836, G>A on the plus strand (C>T on the coding strand, the complement: DYRK1B is on the minus strand). VCF-style: chr19-39825836-G-A. GRCh37 (hg19) VCF-style: chr19-40316476-G-A.
Other names: c.1769C>T (NM_004714.1); c.1649C>T, p.Ser550Leu (NM_006483.3); c.1685C>T, p.Ser562Leu (NM_006484.3); short protein forms S550L, S562L, S590L.
Identifiers: ClinVar variation 3348240 (VCV003348240.2).
Genomic context (GRCh38, chr19:39,825,836, plus strand): 5'-GCAGGGTCATCAGGAGGCGGGAGGGGTGGACGACCTCCAGTCATCCGAGTCCGGAGGGCT[G>A]AGGCAGCCGGGTGCTGGGGGGCAGGCGCTGGGTGAGGTGGGGAGCAGTCAGCAGGGCCGC-3'
Protein context (NP_004705.1, residues 580-600): PAPAPQHPAA[Ser590Leu]ALRTRMTGGR